The following is an entry in ClinVar:

ClinVar aggregate classification (germline): Likely pathogenic. Review status: criteria provided, multiple submitters, no conflicts (2 of 4 stars). 2 submissions from 2 submitters: Likely pathogenic (2). Last evaluated 2020-06-08.

Conditions:
Microcephaly-capillary malformation syndrome (MICCAP). Identifiers: Orphanet 294016, MedGen C3280296, MONDO:0013659, OMIM 614261.

Submissions (2):

Baylor Genetics
Classification: Likely pathogenic for Microcephaly-capillary malformation syndrome. Last evaluated: 2020-06-08. Review status: criteria provided, single submitter. Criteria: ACMG Guidelines, 2015. Collection method: clinical testing. Allele origin: unknown. Affected: yes.
Comment: This variant was determined to be likely pathogenic according to ACMG Guidelines, 2015 [PMID:25741868].

Genetic Services Laboratory, University of Chicago
Classification: Likely pathogenic for Microcephaly-capillary malformation syndrome. Last evaluated: 2014-09-19. Review status: criteria provided, single submitter. Criteria: ACMG Guidelines, 2015. Collection method: clinical testing. Allele origin: germline. Affected: yes.

NM_213622.4(STAMBP):c.1119-6T>G

Gene: STAMBP (STAM binding protein; plus strand). Cytogenetic location: 2p13.1.
Variant type: single nucleotide variant.
Coding change: c.1119-6T>G on transcript NM_213622.4 (MANE Select); 6 bases into the intron before coding-DNA position 1119, T replaced by G.
Molecular consequence: intron variant.
Genome position (GRCh38, 1-based): chr2:73,860,046, T>G. VCF-style: chr2-73860046-T-G. GRCh37 (hg19) VCF-style: chr2-74087173-T-G.
Other names: c.714-6T>G (NM_001353976.2, NM_001353974.2, NM_001353975.2 and 3 more transcripts); c.1119-6T>G (NM_001353970.2, NM_006463.6, NM_001353968.2 and 3 more transcripts).
Identifiers: ClinVar variation 212320 (VCV000212320.7), dbSNP rs797046015, ClinGen allele CA277027.
Genomic context (GRCh38, chr2:73,860,046, plus strand): 5'-CGTGCATATGTTTGGGATGGAGGGACACCTTTGCTTGACTCTTAGCCTGCCTTTTTTAAA[T>G]TTCAGAACTGGATTCTTTAAACTAACTGACCATGGACTAGAGGAGATTTCTTCCTGTCGC-3'